The following is an entry in ClinVar:

ClinVar aggregate classification (germline): Uncertain significance (1 of 4 stars; one submission).

Conditions:
Hereditary pulmonary alveolar proteinosis. Also called: Pulmonary surfactant metabolism dysfunction. Identifiers: Orphanet 264675, MedGen C3711368, MONDO:0012580.

Submission:

Ambry Genetics
Classification: Uncertain significance for Hereditary pulmonary alveolar proteinosis. Last evaluated: 2026-06-18. Review status: criteria provided, single submitter. Criteria: Ambry Variant Classification Scheme 2023. Collection method: clinical testing. Allele origin: germline.
Comment: The p.F912L variant (also known as c.2736C>G), located in coding exon 18 of the ABCA3 gene, results from a C to G substitution at nucleotide position 2736. The phenylalanine at codon 912 is replaced by leucine, an amino acid with highly similar properties. This amino acid position is conserved. In addition, the in silico prediction for this alteration is inconclusive. Based on the available evidence, the clinical significance of this variant remains unclear.

NM_001089.3(ABCA3):c.2736C>G (p.Phe912Leu)

Gene: ABCA3 (ATP binding cassette subfamily A member 3; minus strand). Cytogenetic location: 16p13.3.
Variant type: single nucleotide variant.
Coding change: c.2736C>G on transcript NM_001089.3 (MANE Select); coding-DNA position 2736, C replaced by G.
Protein change: p.Phe912Leu; replaces phenylalanine 912 with leucine.
Molecular consequence: missense variant.
Genome position (GRCh38, 1-based): chr16:2,288,294, G>C on the plus strand (C>G on the coding strand, the complement: ABCA3 is on the minus strand). VCF-style: chr16-2288294-G-C. GRCh37 (hg19) VCF-style: chr16-2338295-G-C.
Other names: short protein forms F912L.
Identifiers: ClinVar variation 5035720 (VCV005035720.1).